The following is an entry in ClinVar:

NM_001134831.2(AHI1):c.2010del (p.Thr671fs)

Gene: AHI1 (Abelson helper integration site 1; minus strand). Cytogenetic location: 6q23.3.
Variant type: Deletion.
Coding change: c.2010del on transcript NM_001134831.2 (MANE Select); coding-DNA position 2010, one base deleted (T; older notation c.2010delT).
Protein change: p.Thr671fs; shifts the reading frame from threonine 671.
Molecular consequence: frameshift variant.
Genome position (GRCh38, 1-based): chr6:135,438,401, A deleted on the plus strand (T on the coding strand, the reverse complement: AHI1 is on the minus strand); the first of 2 consecutive A bases (chr6:135,438,401-135,438,402); deleting either gives the same sequence. VCF-style (leftmost placement, unchanged base first): chr6-135438400-TA-T. GRCh37 (hg19) VCF-style: chr6-135759538-TA-T.
Other names: c.2010del, p.Thr671fs (NM_001134830.2, NM_001134832.2, NM_001350503.2 and 2 more transcripts); short protein forms T671fs.
Identifiers: ClinVar variation 2031617 (VCV002031617.4), dbSNP rs2484675146, ClinGen allele CA2580075078.

ClinVar aggregate classification (germline): Pathogenic (1 of 4 stars; one submission).

Conditions:
Joubert syndrome. Also called: CEREBELLOPARENCHYMAL DISORDER IV; JOUBERT-BOLTSHAUSER SYNDROME; Familial aplasia of the vermis. Identifiers: Orphanet 475, MedGen C5979921, MONDO:0018772.

Submission:

Labcorp Genetics (formerly Invitae), Labcorp
Classification: Pathogenic for Joubert syndrome. Last evaluated: 2022-09-21. Review status: criteria provided, single submitter. Criteria: Invitae Variant Classification Sherloc (09022015). Collection method: clinical testing. Allele origin: germline.
Comment: For these reasons, this variant has been classified as Pathogenic. This variant has not been reported in the literature in individuals affected with AHI1-related conditions. This variant is not present in population databases (gnomAD no frequency). This sequence change creates a premature translational stop signal (p.Thr671Leufs*15) in the AHI1 gene. It is expected to result in an absent or disrupted protein product. Loss-of-function variants in AHI1 are known to be pathogenic (PMID: 15322546, 16453322, 28442542, 29186038).

Literature cited by the submitters: PubMed 15322546; PubMed 16453322; PubMed 28442542; PubMed 29186038.